The following is an entry in ClinVar:

NM_177972.3(TUB):c.544C>T (p.Arg182Cys)

Genes: RIC3 (RIC3 acetylcholine receptor chaperone; minus strand), TUB (TUB bipartite transcription factor; plus strand). Cytogenetic location: 11p15.4.
Variant type: single nucleotide variant.
Coding change: c.544C>T on transcript NM_177972.3 (MANE Select); coding-DNA position 544, C replaced by T.
Protein change: p.Arg182Cys; replaces arginine 182 with cysteine.
Molecular consequence: missense variant.
Genome position (GRCh38, 1-based): chr11:8,095,644, C>T. VCF-style: chr11-8095644-C-T. GRCh37 (hg19) VCF-style: chr11-8117191-C-T.
Other names: c.709C>T, p.Arg237Cys (NM_003320.5); c.709C>T (NM_003320.4); short protein forms R182C, R237C.
Identifiers: ClinVar variation 1000512 (VCV001000512.11), dbSNP rs780069119, ClinGen allele CA5871128.

ClinVar aggregate classification (germline): Conflicting classifications of pathogenicity. Review status: criteria provided, conflicting classifications (1 of 4 stars). 3 submissions from 3 submitters: Uncertain significance (2); Likely benign (1). Last evaluated 2023-10-10.

Allele frequency attached by ClinVar (database versions not stated): gnomAD 0.00001 and 0.00002; TOPMed 0.00003; gnomAD exomes 0.00006 and 0.00018; ExAC 0.00027.
gnomAD v4.1: 93 of 1,605,250 alleles (0.0058%); highest among the groups gnomAD compares: South Asian, 0.091%; 2 homozygotes.

Submissions (3):

Ambry Genetics
Classification: Uncertain significance. Last evaluated: 2023-10-10. Review status: criteria provided, single submitter. Criteria: Ambry Variant Classification Scheme 2023. Collection method: clinical testing. Allele origin: germline.

Labcorp Genetics (formerly Invitae), Labcorp
Classification: Uncertain significance. Last evaluated: 2023-05-08. Review status: criteria provided, single submitter. Criteria: Invitae Variant Classification Sherloc (09022015). Collection method: clinical testing. Allele origin: germline.
Comment: This sequence change replaces arginine, which is basic and polar, with cysteine, which is neutral and slightly polar, at codon 237 of the TUB protein (p.Arg237Cys). This variant is present in population databases (rs780069119, gnomAD 0.1%). This variant has not been reported in the literature in individuals affected with TUB-related conditions. ClinVar contains an entry for this variant (Variation ID: 1000512). An algorithm developed to predict the effect of missense changes on protein structure and function (PolyPhen-2) suggests that this variant is likely to be tolerated. In summary, the available evidence is currently insufficient to determine the role of this variant in disease. Therefore, it has been classified as a Variant of Uncertain Significance.

Blueprint Genetics
Classification: Likely benign. Last evaluated: 2022-09-22. Review status: criteria provided, single submitter. Criteria: ACMG Guidelines, 2015. Collection method: clinical testing. Allele origin: germline.